The following is an entry in ClinVar:

ClinVar aggregate classification (germline): Uncertain significance (1 of 4 stars; one submission).

Submission:

Labcorp Genetics (formerly Invitae), Labcorp
Classification: Uncertain significance. Last evaluated: 2022-02-23. Review status: criteria provided, single submitter. Criteria: Invitae Variant Classification Sherloc (09022015). Collection method: clinical testing. Allele origin: germline.
Comment: This sequence change replaces serine, which is neutral and polar, with glycine, which is neutral and non-polar, at codon 731 of the SEMA4A protein (p.Ser731Gly). In summary, the available evidence is currently insufficient to determine the role of this variant in disease. Therefore, it has been classified as a Variant of Uncertain Significance. Algorithms developed to predict the effect of missense changes on protein structure and function are either unavailable or do not agree on the potential impact of this missense change (SIFT: "Deleterious"; PolyPhen-2: "Benign"; Align-GVGD: "Class C0"). This variant has not been reported in the literature in individuals affected with SEMA4A-related conditions. This variant is not present in population databases (gnomAD no frequency).

NM_022367.4(SEMA4A):c.2191A>G (p.Ser731Gly)

Gene: SEMA4A (semaphorin 4A; plus strand). Cytogenetic location: 1q22.
Variant type: single nucleotide variant.
Coding change: c.2191A>G on transcript NM_022367.4 (MANE Select); coding-DNA position 2191, A replaced by G.
Protein change: p.Ser731Gly; replaces serine 731 with glycine.
Molecular consequence: missense variant.
Genome position (GRCh38, 1-based): chr1:156,176,902, A>G. VCF-style: chr1-156176902-A-G. GRCh37 (hg19) VCF-style: chr1-156146693-A-G.
Other names: c.2191A>G, p.Ser731Gly (NM_001193300.2, NM_001193301.2, NM_001370567.1); c.1795A>G, p.Ser599Gly (NM_001193302.2); c.1894A>G, p.Ser632Gly (NM_001370568.1); c.1684A>G, p.Ser562Gly (NM_001370569.1, NM_001370571.1); short protein forms S562G, S599G, S731G, S632G.
Identifiers: ClinVar variation 2096921 (VCV002096921.4), dbSNP rs2528330626, ClinGen allele CA342813825.